The following is an entry in ClinVar:

ClinVar aggregate classification (germline): Likely benign (0 of 4 stars; one submission).

Conditions:
MUC16-related disorder. Also called: MUC16-related condition.

Submission:

PreventionGenetics, part of Exact Sciences
Classification: Likely benign for MUC16-related condition. Last evaluated: 2019-03-11. Review status: no assertion criteria provided. Collection method: clinical testing. Allele origin: germline.
Comment: This variant is classified as likely benign based on ACMG/AMP sequence variant interpretation guidelines (Richards et al. 2015 PMID: 25741868, with internal and published modifications).

NM_001401501.2(MUC16):c.37428C>T (p.Asn12476=)

Gene: MUC16 (mucin 16, cell surface associated; minus strand). Cytogenetic location: 19p13.2.
Variant type: single nucleotide variant.
Coding change: c.37428C>T on transcript NM_001401501.2 (MANE Select); coding-DNA position 37428, C replaced by T.
Protein change: p.Asn12476=; no amino-acid change (asparagine 12476 retained).
Molecular consequence: synonymous variant.
Genome position (GRCh38, 1-based): chr19:8,910,405, G>A on the plus strand (C>T on the coding strand, the complement: MUC16 is on the minus strand). VCF-style: chr19-8910405-G-A. GRCh37 (hg19) VCF-style: chr19-9021081-G-A.
Other names: c.37854C>T, p.Asn12618= (NM_001414686.1); c.37308C>T, p.Asn12436= (NM_001414687.1); c.37242C>T, p.Asn12414= (NM_024690.2).
Identifiers: ClinVar variation 3043588 (VCV003043588.2), dbSNP rs1032628723, ClinGen allele CA305030584.